The following is an entry in ClinVar:

NM_001005273.3(CHD3):c.1721A>G (p.His574Arg)

Gene: CHD3 (chromodomain helicase DNA binding protein 3; plus strand). Cytogenetic location: 17p13.1.
Variant type: single nucleotide variant.
Coding change: c.1721A>G on transcript NM_001005273.3 (MANE Select); coding-DNA position 1721, A replaced by G.
Protein change: p.His574Arg; replaces histidine 574 with arginine.
Molecular consequence: missense variant.
Genome position (GRCh38, 1-based): chr17:7,897,096, A>G. VCF-style: chr17-7897096-A-G. GRCh37 (hg19) VCF-style: chr17-7800414-A-G.
Other names: c.1898A>G, p.His633Arg (NM_001005271.3); c.1721A>G, p.His574Arg (NM_005852.4); short protein forms H574R, H633R.
Identifiers: ClinVar variation 4072440 (VCV004072440.1).

ClinVar aggregate classification (germline): Uncertain significance (1 of 4 stars; one submission).

Submission:

GeneDx
Classification: Uncertain significance. Last evaluated: 2025-01-30. Review status: criteria provided, single submitter. Criteria: GeneDx Variant Classification Process June 2021. Collection method: clinical testing. Allele origin: germline. Affected: yes.
Comment: In silico analysis supports that this missense variant has a deleterious effect on protein structure/function; Not observed at significant frequency in large population cohorts (gnomAD); This variant is associated with the following publications: (PMID: 35982159, 33057194)